The following is an entry in ClinVar:

ClinVar aggregate classification (germline): Benign/Likely benign. Review status: criteria provided, multiple submitters, no conflicts (2 of 4 stars). 7 submissions from 7 submitters: Benign (2); Likely benign (3). 2 of the submissions do not count toward it. Last evaluated 2026-02-02.

Conditions:
Hereditary cancer-predisposing syndrome. Also called: Tumor predisposition; Neoplastic Syndromes, Hereditary; Hereditary Cancer Syndrome; Hereditary neoplastic syndrome. Identifiers: Orphanet 140162, MedGen C0027672, MeSH D009386, MONDO:0015356.

Allele frequency attached by ClinVar (database versions not stated): gnomAD 0.00028 and 0.00041; gnomAD exomes 0.00035 and 0.00097; TOPMed 0.00060; 1000 Genomes Project 30x 0.00094; ExAC 0.00098; 1000 Genomes Project 0.00120.
gnomAD v4.1: 579 of 1,614,132 alleles (0.036%); highest among the groups gnomAD compares: East Asian, 1.1%; 4 homozygotes.

Submissions (11):

Labcorp Genetics (formerly Invitae), Labcorp
Classification: Benign. Last evaluated: 2026-02-02. Review status: criteria provided, single submitter. Criteria: Invitae Variant Classification Sherloc (09022015). Collection method: clinical testing. Allele origin: germline.

Center for Genomic Medicine, Rigshospitalet, Copenhagen University Hospital
Classification: Likely benign. Last evaluated: 2025-03-04. Review status: criteria provided, single submitter. Criteria: ACMG Guidelines, 2015. Collection method: clinical testing. Allele origin: germline.

Blueprint Genetics
Classification: Likely benign. Last evaluated: 2024-05-28. Review status: criteria provided, single submitter. Criteria: ACMG Guidelines, 2015. Collection method: clinical testing. Allele origin: germline.

CeGaT Center for Human Genetics Tuebingen
Classification: Benign. Last evaluated: 2022-04-01. Review status: criteria provided, single submitter. Criteria: CeGaT Center For Human Genetics Tuebingen Variant Classification Criteria Version 2. Collection method: clinical testing. Allele origin: germline. Affected: yes. Observed: 1 variant allele.
Comment: MSH3: BP4, BS1, BS2

Ambry Genetics
Classification: Likely benign for Hereditary cancer-predisposing syndrome. Last evaluated: 2020-11-09. Review status: criteria provided, single submitter. Criteria: Ambry Variant Classification Scheme 2023. Collection method: clinical testing. Allele origin: germline.

Genetic Services Laboratory, University of Chicago
Classification: Benign. Last evaluated: 2022-05-06. Review status: no assertion criteria provided. Collection method: clinical testing. Allele origin: germline. Affected: no. Not counted in ClinVar's aggregate classification.

Department of Pathology and Laboratory Medicine, Sinai Health System
Classification: Uncertain significance. Review status: no assertion criteria provided. Collection method: clinical testing. Allele origin: unknown. Affected: yes. Study: The Canadian Open Genetics Repository (COGR). Not counted in ClinVar's aggregate classification.
Comment: The MSH3 p.Ser119Phe variant was identified in 1 of 1231 probands with colorectal cancer (frequency: 0.0008) but was not identified in 93 controls (DeRycke_2017_PMID:28944238). The variant was identified in dbSNP (ID: rs144607594) but was not identified in ClinVar, Cosmic, or LOVD 3.0. The variant was identified in control databases in 266 of 282808 chromosomes (1 homozygous) at a frequency of 0.000941 increasing the likelihood this could be a low frequency benign variant (Genome Aggregation Database Feb 27, 2017). The variant was observed in the following populations: East Asian in 248 of 19952 chromosomes (freq: 0.01243), South Asian in 17 of 30614 chromosomes (freq: 0.000555) and Latino in 1 of 35436 chromosomes (freq: 0.000028), but not in the African, Ashkenazi Jewish, European (Finnish), European (non-Finnish) or Other populations. The p.Ser119 residue is not conserved in mammals and 4 of 5 computational analysis programs (SIFT, PolyPhen-2, AlignGVGD, and MutationTaster) do not suggest a high likelihood of impact to the protein; however, this information is not predictive enough to rule out pathogenicity. The p.Ser119Phe variant occurs in the third last base of the exon; this position has been shown to be part of the splicing consensus sequence and variants involving this position sometimes affect splicing. However, in silico splicing prediction software programs (SpliceSiteFinder, MaxEntScan, NNSPLICE, GeneSplicer) do not predict a difference in splicing. In summary, based on the above information the clinical significance of this variant cannot be determined with certainty at this time. This variant is classified as a variant of uncertain significance.

Dr. Peter K. Rogan Lab, Western University
No classification provided (evidence only). Condition: Gastric cancer. Review status: no classification provided. Collection method: in vitro. Allele origin: not applicable. Functional consequence: retained intron. Not counted in ClinVar's aggregate classification.

Dr. Peter K. Rogan Lab, Western University
No classification provided (evidence only). Condition: Gastric cancer. Review status: no classification provided. Collection method: in vitro. Allele origin: not applicable. Functional consequence: retained intron. Not counted in ClinVar's aggregate classification.

Dr. Peter K. Rogan Lab, Western University
No classification provided (evidence only). Condition: Hepatocellular carcinoma. Review status: no classification provided. Collection method: in vitro. Allele origin: not applicable. Functional consequence: retained intron. Not counted in ClinVar's aggregate classification.

Dr. Peter K. Rogan Lab, Western University
No classification provided (evidence only). Condition: Hepatocellular carcinoma. Review status: no classification provided. Collection method: in vitro. Allele origin: not applicable. Functional consequence: retained intron. Not counted in ClinVar's aggregate classification.

Literature cited by the submitters: PubMed 26837502 (cited by Ambry Genetics); PubMed 29641532 (cited by Ambry Genetics).

NM_002439.5(MSH3):c.356C>T (p.Ser119Phe)

Gene: MSH3 (mutS homolog 3; plus strand). Cytogenetic location: 5q14.1.
Variant type: single nucleotide variant.
Coding change: c.356C>T on transcript NM_002439.5 (MANE Select); coding-DNA position 356, C replaced by T.
Protein change: p.Ser119Phe; replaces serine 119 with phenylalanine.
Molecular consequence: missense variant.
Genome position (GRCh38, 1-based): chr5:80,656,529, C>T. VCF-style: chr5-80656529-C-T. GRCh37 (hg19) VCF-style: chr5-79952348-C-T.
Other names: short protein forms S119F.
Identifiers: ClinVar variation 788096 (VCV000788096.51), dbSNP rs144607594, ClinGen allele CA3327569.